The following is an entry in ClinVar:

NM_006648.4(WNK2):c.556G>A (p.Val186Met)

Gene: WNK2 (WNK lysine deficient protein kinase 2; plus strand). Cytogenetic location: 9q22.31.
Variant type: single nucleotide variant.
Coding change: c.556G>A on transcript NM_006648.4 (MANE Select); coding-DNA position 556, G replaced by A.
Protein change: p.Val186Met; replaces valine 186 with methionine.
Molecular consequence: missense variant.
Genome position (GRCh38, 1-based): chr9:93,185,485, G>A. VCF-style: chr9-93185485-G-A. GRCh37 (hg19) VCF-style: chr9-95947767-G-A.
Other names: c.556G>A, p.Val186Met (NM_001282394.3); short protein forms V186M.
Identifiers: ClinVar variation 4866665 (VCV004866665.1).

ClinVar aggregate classification (germline): Uncertain significance (1 of 4 stars; one submission).

Submission:

Ambry Genetics
Classification: Uncertain significance. Last evaluated: 2026-05-14. Review status: criteria provided, single submitter. Criteria: Ambry Variant Classification Scheme 2023. Collection method: clinical testing. Allele origin: germline.
Comment: The p.V186M variant (also known as c.556G>A), located in coding exon 1 of the WNK2 gene, results from a G to A substitution at nucleotide position 556. The valine at codon 186 is replaced by methionine, an amino acid with highly similar properties. This amino acid position is conserved. In addition, the in silico prediction for this alteration is inconclusive. Based on the available evidence, the clinical significance of this variant remains unclear.